The following is an entry in ClinVar:

ClinVar aggregate classification (germline): Uncertain significance (1 of 4 stars; one submission).

Submission:

Labcorp Genetics (formerly Invitae), Labcorp
Classification: Uncertain significance. Last evaluated: 2025-03-31. Review status: criteria provided, single submitter. Criteria: Invitae Variant Classification Sherloc (09022015). Collection method: clinical testing. Allele origin: germline.
Comment: This sequence change replaces glutamic acid, which is acidic and polar, with lysine, which is basic and polar, at codon 46 of the IDH3B protein (p.Glu46Lys). This variant is not present in population databases (gnomAD no frequency). This variant has not been reported in the literature in individuals affected with IDH3B-related conditions. ClinVar contains an entry for this variant (Variation ID: 2012577). An algorithm developed to predict the effect of missense changes on protein structure and function (PolyPhen-2) suggests that this variant is likely to be tolerated. In summary, the available evidence is currently insufficient to determine the role of this variant in disease. Therefore, it has been classified as a Variant of Uncertain Significance.

NM_006899.5(IDH3B):c.136G>A (p.Glu46Lys)

Gene: IDH3B (isocitrate dehydrogenase (NAD(+)) 3 non-catalytic subunit beta; minus strand). Cytogenetic location: 20p13.
Variant type: single nucleotide variant.
Coding change: c.136G>A on transcript NM_006899.5 (MANE Select); coding-DNA position 136, G replaced by A.
Protein change: p.Glu46Lys; replaces glutamic acid 46 with lysine.
Molecular consequence: missense variant. On other transcripts: non-coding transcript variant (1).
Genome position (GRCh38, 1-based): chr20:2,663,740, C>T on the plus strand (G>A on the coding strand, the complement: IDH3B is on the minus strand). VCF-style: chr20-2663740-C-T. GRCh37 (hg19) VCF-style: chr20-2644386-C-T.
Other names: c.136G>A, p.Glu46Lys (NM_001258384.3, NM_001330763.2, NM_174855.4); short protein forms E46K.
Identifiers: ClinVar variation 2012577 (VCV002012577.3), dbSNP rs2514768453, ClinGen allele CA408040407.